The following is an entry in ClinVar:

NM_001077653.2(TBX20):c.1006T>A (p.Ser336Thr)

Gene: TBX20 (T-box transcription factor 20; minus strand). Cytogenetic location: 7p14.2.
Variant type: single nucleotide variant.
Coding change: c.1006T>A on transcript NM_001077653.2 (MANE Select); coding-DNA position 1006, T replaced by A.
Protein change: p.Ser336Thr; replaces serine 336 with threonine.
Molecular consequence: missense variant.
Genome position (GRCh38, 1-based): chr7:35,202,768, A>T on the plus strand (T>A on the coding strand, the complement: TBX20 is on the minus strand). VCF-style: chr7-35202768-A-T. GRCh37 (hg19) VCF-style: chr7-35242380-A-T.
Other names: short protein forms S336T.
Identifiers: ClinVar variation 1201775 (VCV001201775.39), dbSNP rs544060231, ClinGen allele CA4217366.
Genomic context (GRCh38, chr7:35,202,768, plus strand): 5'-AACTGGAAGAAGATGATACCCAGGAGCTGAGAGACAAATTATCAGATGTTGTAAAGGCTG[A>T]CCCTGTAAGGAAAAACACTCATTAGACTGGAAACACTGTGTCAATGTACAGATCAAGAAT-3'
Protein context (NP_001071121.1, residues 326-346): DESQTTPNRG[Ser336Thr]AFTTSDNLSL

ClinVar aggregate classification (germline): Likely benign. Review status: criteria provided, multiple submitters, no conflicts (2 of 4 stars). 6 submissions from 6 submitters: Likely benign (6). Last evaluated 2026-01-06.

Conditions:
Cardiovascular phenotype. Identifiers: MedGen CN230736.

Allele frequency attached by ClinVar (database versions not stated): gnomAD 0.00011 and 0.00018; TOPMed 0.00018; gnomAD exomes 0.00022 and 0.00058; 1000 Genomes Project 30x 0.00031; 1000 Genomes Project 0.00040; ExAC 0.00130.
gnomAD v4.1: 339 of 1,550,676 alleles (0.022%); highest among the groups gnomAD compares: South Asian, 0.18%; 4 homozygotes.

Submissions (6):

Labcorp Genetics (formerly Invitae), Labcorp
Classification: Likely benign. Last evaluated: 2026-01-06. Review status: criteria provided, single submitter. Criteria: Invitae Variant Classification Sherloc (09022015). Collection method: clinical testing. Allele origin: germline.

Blueprint Genetics
Classification: Likely benign. Last evaluated: 2024-09-05. Review status: criteria provided, single submitter. Criteria: ACMG Guidelines, 2015. Collection method: clinical testing. Allele origin: germline.

CeGaT Center for Human Genetics Tuebingen
Classification: Likely benign. Last evaluated: 2024-05-01. Review status: criteria provided, single submitter. Criteria: CeGaT Center For Human Genetics Tuebingen Variant Classification Criteria Version 2. Collection method: clinical testing. Allele origin: germline. Affected: yes. Observed: 2 variant alleles.
Comment: TBX20: BS2

Ambry Genetics
Classification: Likely benign for Cardiovascular phenotype. Last evaluated: 2021-07-03. Review status: criteria provided, single submitter. Criteria: Ambry Variant Classification Scheme 2023. Collection method: clinical testing. Allele origin: germline.

GeneDx
Classification: Likely benign. Last evaluated: 2019-02-27. Review status: criteria provided, single submitter. Criteria: GeneDx Variant Classification Process June 2021. Collection method: clinical testing. Allele origin: germline. Affected: yes.
Comment: This variant is associated with the following publications: (PMID: 29332214)

Breakthrough Genomics
Classification: Likely benign. Review status: criteria provided, single submitter. Criteria: ACMG Guidelines, 2015. Collection method: not provided. Allele origin: germline. Inheritance: Unknown mechanism. Affected: yes.